The following is an entry in ClinVar:

NM_000138.5(FBN1):c.7030C>G (p.Leu2344Val)

Gene: FBN1 (fibrillin 1; minus strand). Cytogenetic location: 15q21.1.
Variant type: single nucleotide variant.
Coding change: c.7030C>G on transcript NM_000138.5 (MANE Select); coding-DNA position 7030, C replaced by G.
Protein change: p.Leu2344Val; replaces leucine 2344 with valine.
Molecular consequence: missense variant.
Genome position (GRCh38, 1-based): chr15:48,427,741, G>C on the plus strand (C>G on the coding strand, the complement: FBN1 is on the minus strand). VCF-style: chr15-48427741-G-C. GRCh37 (hg19) VCF-style: chr15-48719938-G-C.
Other names: c.7030C>G, p.Leu2344Val (NM_001406716.1); short protein forms L2344V.
Identifiers: ClinVar variation 4790984 (VCV004790984.1).
Genomic context (GRCh38, chr15:48,427,741, plus strand): 5'-AGCATTCCGATTTGGTGACGGGGTTCCTGTTGCTGGAGCCGATCTGACACATGTTTTGTA[G>C]CACCTCTGTGAAGCAGTACCCTTCCCGATTGTCTGGAAGGGACATTATATGGCAAAGGGG-3'
Protein context (NP_000129.3, residues 2334-2354): NREGYCFTEV[Leu2344Val]QNMCQIGSSN

ClinVar aggregate classification (germline): Uncertain significance (1 of 4 stars; one submission).

Conditions:
Marfan syndrome (MFS). Also called: FBN1-Related Marfan Syndrome; MARFAN SYNDROME, TYPE I; Marfan syndrome type 1; Marfan's syndrome; Marfan syndrome, classic. Identifiers: Orphanet 284963, Orphanet 558, MedGen C0024796, MONDO:0007947, OMIM 154700.
Familial thoracic aortic aneurysm and aortic dissection (TAAD). Also called: Thoracic aortic aneurysms and dissections. Identifiers: Orphanet 91387, MedGen C4707243, MONDO:0019625.

Submission:

Labcorp Genetics (formerly Invitae), Labcorp
Classification: Uncertain significance for Marfan syndrome; Familial thoracic aortic aneurysm and aortic dissection. Last evaluated: 2025-04-09. Review status: criteria provided, single submitter. Criteria: Invitae Variant Classification Sherloc (09022015). Collection method: clinical testing. Allele origin: germline.
Comment: This sequence change replaces leucine, which is neutral and non-polar, with valine, which is neutral and non-polar, at codon 2344 of the FBN1 protein (p.Leu2344Val). This variant is not present in population databases (gnomAD no frequency). This variant has not been reported in the literature in individuals affected with FBN1-related conditions. Invitae Evidence Modeling of protein sequence and biophysical properties (such as structural, functional, and spatial information, amino acid conservation, physicochemical variation, residue mobility, and thermodynamic stability) indicates that this missense variant is not expected to disrupt FBN1 protein function with a negative predictive value of 95%. In summary, the available evidence is currently insufficient to determine the role of this variant in disease. Therefore, it has been classified as a Variant of Uncertain Significance.